The following is an entry in ClinVar:

NM_000222.3(KIT):c.925+6T>C

Gene: KIT (KIT proto-oncogene, receptor tyrosine kinase; plus strand). Cytogenetic location: 4q12.
Variant type: single nucleotide variant.
Coding change: c.925+6T>C on transcript NM_000222.3 (MANE Select); 6 bases into the intron after coding-DNA position 925, T replaced by C.
Molecular consequence: intron variant.
Genome position (GRCh38, 1-based): chr4:54,703,898, T>C. VCF-style: chr4-54703898-T-C. GRCh37 (hg19) VCF-style: chr4-55570064-T-C.
Other names: c.928+6T>C (NM_001385284.1, NM_001385290.1, NM_001385288.1 and 1 more transcripts); c.925+6T>C (NM_001385285.1, NM_001093772.2, NM_001385286.1).
Identifiers: ClinVar variation 1039889 (VCV001039889.9), dbSNP rs1720616932, ClinGen allele CA1458738926.

ClinVar aggregate classification (germline): Uncertain significance (1 of 4 stars; one submission).

Conditions:
Gastrointestinal stromal tumor. Also called: Gastrointestinal stromal tumor, somatic; Gastrointestinal stroma tumor. Identifiers: Orphanet 44890, MedGen C0238198, MeSH D046152, MONDO:0011719, OMIM 606764, HP:0100723.

Submission:

Labcorp Genetics (formerly Invitae), Labcorp
Classification: Uncertain significance for Gastrointestinal stromal tumor. Last evaluated: 2020-07-07. Review status: criteria provided, single submitter. Criteria: Invitae Variant Classification Sherloc (09022015). Collection method: clinical testing. Allele origin: germline.
Comment: This variant is not present in population databases (ExAC no frequency). This variant has not been reported in the literature in individuals with KIT-related conditions. Nucleotide substitutions within the consensus splice site are a relatively common cause of aberrant splicing (PMID: 17576681, 9536098). Algorithms developed to predict the effect of sequence changes on RNA splicing suggest that this variant is not likely to affect RNA splicing, but this prediction has not been confirmed by published transcriptional studies. In summary, the available evidence is currently insufficient to determine the role of this variant in disease. Therefore, it has been classified as a Variant of Uncertain Significance. This sequence change falls in intron 5 of the KIT gene. It does not directly change the encoded amino acid sequence of the KIT protein, but it affects a nucleotide within the consensus splice site of the intron.

Literature cited by the submitters: PubMed 17576681; PubMed 9536098.